The following is an entry in ClinVar:

NM_001267550.2(TTN):c.13259G>C (p.Arg4420Thr)

Gene: TTN (titin; minus strand). Cytogenetic location: 2q31.2.
Variant type: single nucleotide variant.
Coding change: c.13259G>C on transcript NM_001267550.2 (MANE Select); coding-DNA position 13259, G replaced by C.
Protein change: p.Arg4420Thr; replaces arginine 4420 with threonine.
Molecular consequence: missense variant. On other transcripts: intron variant (1).
Genome position (GRCh38, 1-based): chr2:178,739,974, C>G on the plus strand (G>C on the coding strand, the complement: TTN is on the minus strand). VCF-style: chr2-178739974-C-G. GRCh37 (hg19) VCF-style: chr2-179604701-C-G.
Other names: c.12308G>C, p.Arg4103Thr (NM_001256850.1); c.12170G>C, p.Arg4057Thr (NM_003319.4); c.12545G>C, p.Arg4182Thr (NM_133432.3); c.12746G>C, p.Arg4249Thr (NM_133437.4); c.10361-1614G>C (NM_133378.4); short protein forms R4057T, R4103T, R4182T, R4249T, R4420T.
Identifiers: ClinVar variation 3351546 (VCV003351546.1).

ClinVar aggregate classification (germline): Uncertain significance (0 of 4 stars; one submission).

Conditions:
TTN-related disorder. Also called: TTN-related disorders; TTN-related condition; TTN-related disease.

gnomAD v4.1: 83 of 1,613,764 alleles (0.0051%); highest among the groups gnomAD compares: Non-Finnish European, 0.0069%; no homozygotes.

Submission:

PreventionGenetics, part of Exact Sciences
Classification: Uncertain significance for TTN-related condition. Last evaluated: 2024-06-25. Review status: no assertion criteria provided. Collection method: clinical testing. Allele origin: germline.
Comment: The TTN c.13259G>C variant is predicted to result in the amino acid substitution p.Arg4420Thr. To our knowledge, this variant has not been reported in the literature. This variant is reported in 0.013% of alleles in individuals of African descent in gnomAD. At this time, the clinical significance of this variant is uncertain due to the absence of conclusive functional and genetic evidence.